The following is an entry in ClinVar:

ClinVar aggregate classification (germline): Uncertain significance (1 of 4 stars; one submission).

gnomAD v4.1: 5 of 1,614,084 alleles (0.00031%); highest among the groups gnomAD compares: Non-Finnish European, 0.00042%; no homozygotes.

Submission:

GeneDx
Classification: Uncertain significance. Last evaluated: 2024-01-05. Review status: criteria provided, single submitter. Criteria: GeneDx Variant Classification Process June 2021. Collection method: clinical testing. Allele origin: germline. Affected: yes.
Comment: Not observed at significant frequency in large population cohorts (gnomAD); In silico analysis supports that this missense variant has a deleterious effect on protein structure/function; Has not been previously published as pathogenic or benign to our knowledge; This variant is associated with the following publications: (PMID: 26503042, 26138142, 25168514)

NM_002047.4(GARS1):c.1259T>C (p.Val420Ala)

Gene: GARS1 (glycyl-tRNA synthetase 1; plus strand). Cytogenetic location: 7p14.3.
Variant type: single nucleotide variant.
Coding change: c.1259T>C on transcript NM_002047.4 (MANE Select); coding-DNA position 1259, T replaced by C.
Protein change: p.Val420Ala; replaces valine 420 with alanine.
Molecular consequence: missense variant.
Genome position (GRCh38, 1-based): chr7:30,617,178, T>C. VCF-style: chr7-30617178-T-C. GRCh37 (hg19) VCF-style: chr7-30656794-T-C.
Other names: c.1097T>C, p.Val366Ala (NM_001316772.1); short protein forms V366A, V420A.
Identifiers: ClinVar variation 3370119 (VCV003370119.1).